The following is an entry in ClinVar:

NM_022072.5(NSUN3):c.272G>C (p.Cys91Ser)

Gene: NSUN3 (NOP2/Sun RNA methyltransferase 3; plus strand). Cytogenetic location: 3q11.2.
Variant type: single nucleotide variant.
Coding change: c.272G>C on transcript NM_022072.5 (MANE Select); coding-DNA position 272, G replaced by C.
Protein change: p.Cys91Ser; replaces cysteine 91 with serine.
Molecular consequence: missense variant.
Genome position (GRCh38, 1-based): chr3:94,084,256, G>C. VCF-style: chr3-94084256-G-C. GRCh37 (hg19) VCF-style: chr3-93803100-G-C.
Other names: c.272G>C (NM_022072.3); short protein forms C91S.
Identifiers: ClinVar variation 3010733 (VCV003010733.4), dbSNP rs1380012042, ClinGen allele CA353704535.
Genomic context (GRCh38, chr3:94,084,256, plus strand): 5'-TGAAGGGCTATCACACACTCTCTCAGGGATCTTTACCCAACTATCCTAAATCAGTGAAGT[G>C]TTACCTTAGCAGAACTCCGGGCCGAATCCCTTCAGAAAGACACCAAATTGGAAACCTGAA-3'
Protein context (NP_071355.1, residues 81-101): SLPNYPKSVK[Cys91Ser]YLSRTPGRIP

ClinVar aggregate classification (germline): Uncertain significance. Review status: criteria provided, multiple submitters, no conflicts (2 of 4 stars). 2 submissions from 2 submitters: Uncertain significance (2). Last evaluated 2025-03-19.

Conditions:
Inborn genetic diseases. Identifiers: MedGen C0950123, MeSH D030342.

Allele frequency attached by ClinVar (database versions not stated): TOPMed below 0.00001; gnomAD exomes below 0.00001.
gnomAD v4.1: 5 of 1,614,088 alleles (0.00031%); highest among the groups gnomAD compares: Non-Finnish European, 0.00025%; no homozygotes.

Submissions (2):

Ambry Genetics
Classification: Uncertain significance for Inborn genetic diseases. Last evaluated: 2025-03-19. Review status: criteria provided, single submitter. Criteria: Ambry Variant Classification Scheme 2023. Collection method: clinical testing. Allele origin: germline.

Labcorp Genetics (formerly Invitae), Labcorp
Classification: Uncertain significance. Last evaluated: 2024-01-22. Review status: criteria provided, single submitter. Criteria: Invitae Variant Classification Sherloc (09022015). Collection method: clinical testing. Allele origin: germline.
Comment: This sequence change replaces cysteine, which is neutral and slightly polar, with serine, which is neutral and polar, at codon 91 of the NSUN3 protein (p.Cys91Ser). This variant is present in population databases (no rsID available, gnomAD 0.002%). This variant has not been reported in the literature in individuals affected with NSUN3-related conditions. An algorithm developed to predict the effect of missense changes on protein structure and function (PolyPhen-2) suggests that this variant is likely to be disruptive. In summary, the available evidence is currently insufficient to determine the role of this variant in disease. Therefore, it has been classified as a Variant of Uncertain Significance.